The following is an entry in ClinVar:

ClinVar aggregate classification (germline): Likely pathogenic (1 of 4 stars; one submission).

Conditions:
Craniofacial microsomia 1 (CFM1). Also called: Hemifacial microsomia. Identifiers: Orphanet 374, MedGen C3495417, MONDO:0958175, OMIM 164210.

Submission:

Juno Genomics, Hangzhou Juno Genomics, Inc
Classification: Likely pathogenic for Craniofacial microsomia 1. Review status: criteria provided, single submitter. Criteria: ACMG Guidelines, 2015. Collection method: clinical testing. Allele origin: germline.
Comment: Absent from controls (or at extremely low frequency if recessive) in Genome Aggregation Database.;Null variant in a gene where loss of function (LOF) is a known mechanism of disease.

NM_006842.3(SF3B2):c.811del (p.Gln271fs)

Gene: SF3B2 (splicing factor 3b subunit 2; plus strand). Cytogenetic location: 11q13.1.
Variant type: Deletion.
Coding change: c.811del on transcript NM_006842.3 (MANE Select); coding-DNA position 811, one base deleted (C; older notation c.811delC).
Protein change: p.Gln271fs; shifts the reading frame from glutamine 271.
Molecular consequence: frameshift variant.
Genome position (GRCh38, 1-based): chr11:66,058,087, C deleted; the last of 5 consecutive C bases (chr11:66,058,083-66,058,087); deleting any one gives the same sequence. VCF-style (leftmost placement, unchanged base first): chr11-66058082-TC-T. GRCh37 (hg19) VCF-style: chr11-65825553-TC-T.
Other names: short protein forms Q271fs.
Identifiers: ClinVar variation 5019909 (VCV005019909.2).